The following is an entry in ClinVar:

ClinVar aggregate classification (germline): Uncertain significance. Review status: criteria provided, multiple submitters, no conflicts (2 of 4 stars). 2 submissions from 2 submitters: Uncertain significance (2). Last evaluated 2025-02-08.

Conditions:
Hereditary nonpolyposis colorectal neoplasms. Identifiers: MedGen C0009405, MeSH D003123.
Hereditary cancer-predisposing syndrome. Also called: Neoplastic Syndromes, Hereditary; Tumor predisposition; Hereditary Cancer Syndrome; Hereditary neoplastic syndrome. Identifiers: Orphanet 140162, MedGen C0027672, MeSH D009386, MONDO:0015356.

Submissions (2):

Ambry Genetics
Classification: Uncertain significance for Hereditary cancer-predisposing syndrome. Last evaluated: 2025-02-08. Review status: criteria provided, single submitter. Criteria: Ambry Variant Classification Scheme 2023. Collection method: clinical testing. Allele origin: germline.
Comment: The p.A733V variant (also known as c.2198C>T), located in coding exon 13 of the PMS2 gene, results from a C to T substitution at nucleotide position 2198. The alanine at codon 733 is replaced by valine, an amino acid with similar properties. This amino acid position is highly conserved in available vertebrate species. In addition, the in silico prediction for this alteration is inconclusive. Since supporting evidence is limited at this time, the clinical significance of this alteration remains unclear.

Labcorp Genetics (formerly Invitae), Labcorp
Classification: Uncertain significance for Hereditary nonpolyposis colorectal neoplasms. Last evaluated: 2023-05-30. Review status: criteria provided, single submitter. Criteria: Invitae Variant Classification Sherloc (09022015). Collection method: clinical testing. Allele origin: germline.
Comment: In summary, the available evidence is currently insufficient to determine the role of this variant in disease. Therefore, it has been classified as a Variant of Uncertain Significance. Advanced modeling of protein sequence and biophysical properties (such as structural, functional, and spatial information, amino acid conservation, physicochemical variation, residue mobility, and thermodynamic stability) performed at Invitae indicates that this missense variant is expected to disrupt PMS2 protein function. ClinVar contains an entry for this variant (Variation ID: 1787520). This variant has not been reported in the literature in individuals affected with PMS2-related conditions. The frequency data for this variant in the population databases (gnomAD) is considered unreliable due to the presence of homologous sequence, such as pseudogenes or paralogs, in the genome. This sequence change replaces alanine, which is neutral and non-polar, with valine, which is neutral and non-polar, at codon 733 of the PMS2 protein (p.Ala733Val).

NM_000535.7(PMS2):c.2198C>T (p.Ala733Val)

Gene: PMS2 (PMS1 homolog 2, mismatch repair system component; minus strand). Cytogenetic location: 7p22.1.
Variant type: single nucleotide variant.
Coding change: c.2198C>T on transcript NM_000535.7 (MANE Select); coding-DNA position 2198, C replaced by T.
Protein change: p.Ala733Val; replaces alanine 733 with valine.
Molecular consequence: missense variant. On other transcripts: non-coding transcript variant (1).
Genome position (GRCh38, 1-based): chr7:5,978,673, G>A on the plus strand (C>T on the coding strand, the complement: PMS2 is on the minus strand). VCF-style: chr7-5978673-G-A. GRCh37 (hg19) VCF-style: chr7-6018304-G-A.
Other names: c.1793C>T, p.Ala598Val (NM_001018040.1, NM_001322003.2, NM_001322004.2 and 15 more transcripts); c.2042C>T, p.Ala681Val (NM_001322006.2, NM_001406870.1); c.1880C>T, p.Ala627Val (NM_001322007.2, NM_001322008.2, NM_001406876.1 and 1 more transcripts); c.1637C>T, p.Ala546Val (NM_001322010.2, NM_001406906.1, NM_001406907.1); c.1265C>T, p.Ala422Val (NM_001322011.2, NM_001322012.2); c.1625C>T, p.Ala542Val (NM_001322013.2, NM_001406908.1, NM_001406909.1); c.2198C>T, p.Ala733Val (NM_001322014.2); c.1889C>T, p.Ala630Val (NM_001322015.2, NM_001406875.1, NM_001406877.1 and 5 more transcripts); and 14 more; short protein forms A422V, A546V, A733V, A476V, A542V, A571V, A578V, A611V.
Identifiers: ClinVar variation 1787520 (VCV001787520.6), dbSNP rs2128683594, ClinGen allele CA366736859.